The following is an entry in ClinVar:

ClinVar aggregate classification (germline): Uncertain significance. Review status: criteria provided, multiple submitters, no conflicts (2 of 4 stars). 2 submissions from 2 submitters: Uncertain significance (2). Last evaluated 2023-10-23.

Conditions:
RYR1-related disorder. Also called: RYR1-related condition; RYR1-related disorders. Identifiers: MedGen CN239331.
Malignant hyperthermia, susceptibility to, 1 (MHS1). Also called: Anesthesia related hyperthermia; Malignant hyperpyrexia; Fulminating hyperpyrexia; Pharmacogenic myopathy; Malignant hyperthermia suceptibility 1; RYR1-Related Malignant Hyperthermia Susceptibility. Identifiers: Orphanet 423, MedGen C2930980, MONDO:0007783, OMIM 145600.

Allele frequency attached by ClinVar (database versions not stated): gnomAD exomes below 0.00001 and 0.00002; ExAC 0.00001.

Submissions (2):

All of Us Research Program, National Institutes of Health
Classification: Uncertain significance for Malignant hyperthermia, susceptibility to, 1. Last evaluated: 2023-10-23. Review status: criteria provided, single submitter. Criteria: ACMG Guidelines, 2015. Collection method: clinical testing. Allele origin: germline. Inheritance: Autosomal dominant inheritance. Observed: 1 variant allele, 1 heterozygote.
Comment: This missense variant replaces serine with glycine at codon 3656 of the RYR1 protein. Computational prediction suggests that this variant may not impact protein structure and function (internally defined REVEL score threshold <= 0.5, PMID: 27666373). To our knowledge, functional studies have not been reported for this variant. This variant has not been reported in individuals affected with RYR1-related disorders in the literature. This variant has been identified in 1/251458 chromosomes in the general population by the Genome Aggregation Database (gnomAD). The available evidence is insufficient to determine the role of this variant in disease conclusively. Therefore, this variant is classified as a Variant of Uncertain Significance.

This study involves interpretation of variants in research participants for the purpose of population health screening. Participant phenotype was not available at the time of variant classification. Additional details can be found in publication PMID: 35346344, PMCID: PMC8962531

Labcorp Genetics (formerly Invitae), Labcorp
Classification: Uncertain significance for RYR1-related disorder. Last evaluated: 2016-10-31. Review status: criteria provided, single submitter. Criteria: Invitae Variant Classification Sherloc (09022015). Collection method: clinical testing. Allele origin: germline.
Comment: This sequence change replaces serine with glycine at codon 3656 of the RYR1 protein (p.Ser3656Gly). The serine residue is moderately conserved and there is a small physicochemical difference between serine and glycine. This variant is present in population databases (rs774373483, ExAC 0.01%) but has not been reported in the literature in individuals with a RYR1-related disease. Algorithms developed to predict the effect of missense changes on protein structure and function (SIFT, PolyPhen-2, Align-GVGD) all suggest that this variant is likely to be tolerated, but these predictions have not been confirmed by published functional studies. In summary, this variant is a rare missense change that is not predicted to affect protein function. There is no indication that it causes disease, but the available evidence is currently insufficient to prove that conclusively. Therefore, it has been classified as a Variant of Uncertain Significance.

NM_000540.3(RYR1):c.10966A>G (p.Ser3656Gly)

Gene: RYR1 (ryanodine receptor 1; plus strand). Cytogenetic location: 19q13.2.
Variant type: single nucleotide variant.
Coding change: c.10966A>G on transcript NM_000540.3 (MANE Select); coding-DNA position 10966, A replaced by G.
Protein change: p.Ser3656Gly; replaces serine 3656 with glycine.
Molecular consequence: missense variant.
Genome position (GRCh38, 1-based): chr19:38,528,627, A>G. VCF-style: chr19-38528627-A-G. GRCh37 (hg19) VCF-style: chr19-39019267-A-G.
Other names: c.10951A>G, p.Ser3651Gly (NM_001042723.2); short protein forms S3656G, S3651G.
Identifiers: ClinVar variation 478156 (VCV000478156.9), dbSNP rs774373483, ClinGen allele CA055474.
Genomic context (GRCh38, chr19:38,528,627, plus strand): 5'-CGTCCCAGTGACGTCACACCTCTCCCCTGCAGGCACCGGGCATGTAACATGTTCCTGGAG[A>G]GCTACAAGGCTGCATGGATCCTGACTGAAGACCACAGTTTTGAGGACCGCATGATAGATG-3'
Protein context (NP_000531.2, residues 3646-3666): THRACNMFLE[Ser3656Gly]YKAAWILTED